The following is an entry in ClinVar:

NM_006397.3(RNASEH2A):c.779A>G (p.Glu260Gly)

Gene: RNASEH2A (ribonuclease H2 subunit A; plus strand). Cytogenetic location: 19p13.13.
Variant type: single nucleotide variant.
Coding change: c.779A>G on transcript NM_006397.3 (MANE Select); coding-DNA position 779, A replaced by G.
Protein change: p.Glu260Gly; replaces glutamic acid 260 with glycine.
Molecular consequence: missense variant.
Genome position (GRCh38, 1-based): chr19:12,813,345, A>G. VCF-style: chr19-12813345-A-G. GRCh37 (hg19) VCF-style: chr19-12924159-A-G.
Other names: c.779A>G (NM_006397.2); short protein forms E260G.
Identifiers: ClinVar variation 1047355 (VCV001047355.5), dbSNP rs770898096, ClinGen allele CA9232045.

ClinVar aggregate classification (germline): Conflicting classifications of pathogenicity. Review status: criteria provided, conflicting classifications (1 of 4 stars). 2 submissions from 2 submitters: Uncertain significance (1); Likely benign (1). Last evaluated 2025-06-10.

Conditions:
Inborn genetic diseases. Identifiers: MedGen C0950123, MeSH D030342.
Aicardi-Goutieres syndrome 4. Identifiers: Orphanet 51, MedGen C1835912, MONDO:0012472, OMIM 610333.

Allele frequency attached by ClinVar (database versions not stated): gnomAD exomes 0.00002 and 0.00004; ExAC 0.00002; gnomAD 0.00003; TOPMed 0.00003.
gnomAD v4.1: 68 of 1,613,950 alleles (0.0042%); highest among the groups gnomAD compares: Non-Finnish European, 0.0056%; no homozygotes.

Submissions (2):

Ambry Genetics
Classification: Likely benign for Inborn genetic diseases. Last evaluated: 2025-06-10. Review status: criteria provided, single submitter. Criteria: Ambry Variant Classification Scheme 2023. Collection method: clinical testing. Allele origin: germline.

Labcorp Genetics (formerly Invitae), Labcorp
Classification: Uncertain significance for Aicardi-Goutieres syndrome 4. Last evaluated: 2022-03-11. Review status: criteria provided, single submitter. Criteria: Invitae Variant Classification Sherloc (09022015). Collection method: clinical testing. Allele origin: germline.
Comment: This sequence change replaces glutamic acid, which is acidic and polar, with glycine, which is neutral and non-polar, at codon 260 of the RNASEH2A protein (p.Glu260Gly). This variant is present in population databases (rs770898096, gnomAD 0.004%). This variant has not been reported in the literature in individuals affected with RNASEH2A-related conditions. ClinVar contains an entry for this variant (Variation ID: 1047355). Algorithms developed to predict the effect of missense changes on protein structure and function output the following: SIFT: "Tolerated"; PolyPhen-2: "Benign"; Align-GVGD: "Class C0". The glycine amino acid residue is found in multiple mammalian species, which suggests that this missense change does not adversely affect protein function. In summary, the available evidence is currently insufficient to determine the role of this variant in disease. Therefore, it has been classified as a Variant of Uncertain Significance.